The following is an entry in ClinVar:

NM_001282225.2(ADA2):c.794C>G (p.Ser265Ter)

Gene: ADA2 (adenosine deaminase 2; minus strand). Cytogenetic location: 22q11.1.
Variant type: single nucleotide variant.
Coding change: c.794C>G on transcript NM_001282225.2 (MANE Select); coding-DNA position 794, C replaced by G.
Protein change: p.Ser265Ter; replaces serine 265 with a stop codon.
Molecular consequence: nonsense.
Genome position (GRCh38, 1-based): chr22:17,191,770, G>C on the plus strand (C>G on the coding strand, the complement: ADA2 is on the minus strand). VCF-style: chr22-17191770-G-C. GRCh37 (hg19) VCF-style: chr22-17672660-G-C.
Other names: c.794C>G, p.Ser265Ter (NM_001282226.2); c.668C>G, p.Ser223Ter (NM_001282227.2, NM_001282228.2); c.434C>G, p.Ser145Ter (NM_001282229.2); c.71C>G, p.Ser24Ter (NM_177405.3); short protein forms S265*, S24*, S223*, S145*.
Identifiers: ClinVar variation 3587771 (VCV003587771.3).

ClinVar aggregate classification (germline): Pathogenic. Review status: criteria provided, multiple submitters, no conflicts (2 of 4 stars). 2 submissions from 2 submitters: Pathogenic (2). Last evaluated 2024-05-23.

Conditions:
Deficiency of adenosine deaminase 2. Also called: Adenosine Deaminase 2 Deficiency; VASCULITIS, AUTOINFLAMMATION, IMMUNODEFICIENCY, AND HEMATOLOGIC DEFECTS SYNDROME; Polyarteritis nodosa, childhoood-onset. Identifiers: Orphanet 404553, MedGen C3887654, MONDO:0014306, OMIM 615688, MONDO:0100317.
Sneddon syndrome (SNDNS). Also called: LIVEDO RETICULARIS AND CEREBROVASCULAR ACCIDENTS; Idiopathic livedo reticularis with systemic involvement. Identifiers: Orphanet 820, MedGen C0282492, MONDO:0008436, OMIM 182410.

gnomAD v4.1: 5 of 1,611,928 alleles (0.00031%); highest among the groups gnomAD compares: Admixed American, 0.0083%; no homozygotes.

Submissions (2):

Fulgent Genetics
Classification: Pathogenic for Sneddon syndrome; Deficiency of adenosine deaminase 2. Last evaluated: 2024-05-23. Review status: criteria provided, single submitter. Criteria: ACMG Guidelines, 2015. Collection method: clinical testing. Allele origin: germline.

Labcorp Genetics (formerly Invitae), Labcorp
Classification: Pathogenic for Deficiency of adenosine deaminase 2. Last evaluated: 2024-02-06. Review status: criteria provided, single submitter. Criteria: Invitae Variant Classification Sherloc (09022015). Collection method: clinical testing. Allele origin: germline.
Comment: This sequence change creates a premature translational stop signal (p.Ser265*) in the ADA2 gene. It is expected to result in an absent or disrupted protein product. Loss-of-function variants in ADA2 are known to be pathogenic (PMID: 24552284, 24552285). This variant is present in population databases (rs754640838, gnomAD 0.01%). This premature translational stop signal has been observed in individual(s) with ADA2-related conditions (PMID: 27130863). This variant is also known as p.Gln265Stop or S265X. For these reasons, this variant has been classified as Pathogenic.

Literature cited by the submitters: PubMed 24552284 (cited by Labcorp Genetics (formerly Invitae), Labcorp); PubMed 24552285 (cited by Labcorp Genetics (formerly Invitae), Labcorp); PubMed 27130863 (cited by Labcorp Genetics (formerly Invitae), Labcorp).